The following is an entry in ClinVar:

ClinVar aggregate classification (germline): Pathogenic (1 of 4 stars; one submission).

Conditions:
Hereditary breast ovarian cancer syndrome. Also called: BRCA1- and BRCA2-Associated Hereditary Breast and Ovarian Cancer; Hereditary breast and ovarian cancer; Hereditary breast and/or ovarian cancer syndrome; Hereditary breast and ovarian cancer syndrome; Hereditary breast and ovarian cancer syndrome (HBOC); Breast and ovarian cancer. Identifiers: Orphanet 145, MedGen C0677776, MeSH D061325, MONDO:0003582. Disease mechanism: loss of function.

Submission:

Labcorp Genetics (formerly Invitae), Labcorp
Classification: Pathogenic for Hereditary breast ovarian cancer syndrome. Last evaluated: 2019-07-25. Review status: criteria provided, single submitter. Criteria: Invitae Variant Classification Sherloc (09022015). Collection method: clinical testing. Allele origin: germline.
Comment: For these reasons, this variant has been classified as Pathogenic. Loss-of-function variants in BRCA1 are known to be pathogenic (PMID: 20104584). This variant has not been reported in the literature in individuals with BRCA1-related conditions. This variant is not present in population databases (ExAC no frequency). This sequence change creates a premature translational stop signal (p.Asn550Lysfs*22) in the BRCA1 gene. It is expected to result in an absent or disrupted protein product.

Literature cited by the submitters: PubMed 20104584.

NM_007294.4(BRCA1):c.1650del (p.Asn550fs)

Gene: BRCA1 (BRCA1 DNA repair associated; minus strand). Cytogenetic location: 17q21.31.
Variant type: Deletion.
Coding change: c.1650del on transcript NM_007294.4 (MANE Select); coding-DNA position 1650, one base deleted (T; older notation c.1650delT).
Protein change: p.Asn550fs; shifts the reading frame from asparagine 550.
Molecular consequence: frameshift variant. On other transcripts: intron variant (137).
Genome position (GRCh38, 1-based): chr17:43,093,881, A deleted on the plus strand (T on the coding strand, the reverse complement: BRCA1 is on the minus strand). VCF-style (leftmost placement, unchanged base first): chr17-43093880-TA-T. GRCh37 (hg19) VCF-style: chr17-41245897-TA-T.
Other names: c.1509del, p.Asn503fs (NM_001407730.1, NM_001407731.1, NM_001407732.1 and 29 more transcripts); c.1506del, p.Asn502fs (NM_001407838.1, NM_001407740.1, NM_001407839.1 and 20 more transcripts); c.1437del, p.Asn479fs (NM_001407571.1, NM_001407853.1, NM_001407894.1 and 9 more transcripts); c.1650del, p.Asn550fs (NM_001407581.1, NM_001407582.1, NM_001407583.1 and 30 more transcripts); c.1647del, p.Asn549fs (NM_001407587.1, NM_001407590.1, NM_001407591.1 and 22 more transcripts); c.1641del, p.Asn547fs (NM_001407646.1, NM_001407647.1); c.1527del, p.Asn509fs (NM_001407648.1, NM_001407664.1, NM_001407665.1 and 19 more transcripts); c.1524del, p.Asn508fs (NM_001407649.1, NM_001407670.1, NM_001407671.1 and 11 more transcripts); and 41 more; short protein forms N550fs, N503fs, N382fs, N438fs, N480fs, N483fs, N549fs, N254fs.
Identifiers: ClinVar variation 962686 (VCV000962686.9), dbSNP rs2053906428, ClinGen allele CA1139664792.